The following is an entry in ClinVar:

NM_001369.3(DNAH5):c.9751G>T (p.Ala3251Ser)

Gene: DNAH5 (dynein axonemal heavy chain 5; minus strand). Cytogenetic location: 5p15.2.
Variant type: single nucleotide variant.
Coding change: c.9751G>T on transcript NM_001369.3 (MANE Select); coding-DNA position 9751, G replaced by T.
Protein change: p.Ala3251Ser; replaces alanine 3251 with serine.
Molecular consequence: missense variant.
Genome position (GRCh38, 1-based): chr5:13,769,106, C>A on the plus strand (G>T on the coding strand, the complement: DNAH5 is on the minus strand). VCF-style: chr5-13769106-C-A. GRCh37 (hg19) VCF-style: chr5-13769215-C-A.
Other names: short protein forms A3251S.
Identifiers: ClinVar variation 698819 (VCV000698819.14), dbSNP rs139293893, ClinGen allele CA3202432.
Genomic context (GRCh38, chr5:13,769,106, plus strand): 5'-CCACAATGGCCTGGGCCCTGTCCTTCACCTTCTGTACCTCAGCCTTGACCTTTTCAGCAG[C>A]CTGTGCTTTCATTGTCACTTCTTTTAAGACCTAATTCAATATAAAGCAAGCAATACTTCA-3'
Protein context (NP_001360.1, residues 3241-3261): VLKEVTMKAQ[Ala3251Ser]AEKVKAEVQK

ClinVar aggregate classification (germline): Conflicting classifications of pathogenicity. Review status: criteria provided, conflicting classifications (1 of 4 stars). 4 submissions from 4 submitters: Uncertain significance (1); Likely benign (2). 1 of the submissions does not count toward it. Last evaluated 2026-01-24.

Conditions:
Primary ciliary dyskinesia. Also called: Ciliary dyskinesia. Identifiers: Orphanet 244, MedGen C0008780, MONDO:0016575, HP:0012265.
Primary ciliary dyskinesia 3. Identifiers: Orphanet 244, MedGen C1837618, MONDO:0012085, OMIM 608644.

Allele frequency attached by ClinVar (database versions not stated): TOPMed 0.00061; ESP Exome Variant Server 0.00062; 1000 Genomes Project 30x 0.00078; 1000 Genomes Project 0.00080.
gnomAD v4.1: 163 of 1,614,180 alleles (0.01%); highest among the groups gnomAD compares: African/African-American, 0.19%; no homozygotes.

Submissions (4):

Labcorp Genetics (formerly Invitae), Labcorp
Classification: Likely benign for Primary ciliary dyskinesia. Last evaluated: 2026-01-24. Review status: criteria provided, single submitter. Criteria: Invitae Variant Classification Sherloc (09022015). Collection method: clinical testing. Allele origin: germline.

Ambry Genetics
Classification: Likely benign for Primary ciliary dyskinesia. Last evaluated: 2024-08-15. Review status: criteria provided, single submitter. Criteria: Ambry Variant Classification Scheme 2023. Collection method: clinical testing. Allele origin: germline.

Johns Hopkins Genomics, Johns Hopkins University
Classification: Uncertain significance for Primary ciliary dyskinesia 3. Last evaluated: 2023-10-16. Review status: criteria provided, single submitter. Criteria: ACMG Guidelines, 2015. Collection method: clinical testing. Allele origin: germline.
Comment: This DNAH5 missense variant (rs139293893) is rare (<0.1%) in a large population dataset (gnomAD v3.1.2: 90/152212 total alleles; 0.06%; no homozygotes). It has been reported in ClinVar (Variation ID 698819), but has not been reported in the literature, to our knowledge. Two bioinformatic tools queried predict that this substitution would be damaging, and the alanine residue at this position is evolutionarily conserved across all of the species assessed. We consider the clinical significance of c.9751G>T in DNAH5 to be uncertain at this time.

Natera, Inc.
Classification: Uncertain significance for Primary ciliary dyskinesia. Last evaluated: 2020-01-24. Review status: no assertion criteria provided. Collection method: clinical testing. Allele origin: germline. Not counted in ClinVar's aggregate classification.